The following is an entry in ClinVar:

NM_153252.5(BRWD3):c.3635A>G (p.Tyr1212Cys)

Gene: BRWD3 (bromodomain and WD repeat domain containing 3; minus strand). Cytogenetic location: Xq21.1.
Variant type: single nucleotide variant.
Coding change: c.3635A>G on transcript NM_153252.5 (MANE Select); coding-DNA position 3635, A replaced by G.
Protein change: p.Tyr1212Cys; replaces tyrosine 1212 with cysteine.
Molecular consequence: missense variant.
Genome position (GRCh38, 1-based): chrX:80,690,060, T>C on the plus strand (A>G on the coding strand, the complement: BRWD3 is on the minus strand). VCF-style: chrX-80690060-T-C. GRCh37 (hg19) VCF-style: chrX-79945559-T-C.
Other names: short protein forms Y1212C.
Identifiers: ClinVar variation 2661974 (VCV002661974.1), dbSNP rs2520232063, ClinGen allele CA413616379.

ClinVar aggregate classification (germline): Uncertain significance (1 of 4 stars; one submission).

Allele frequency attached by ClinVar (database versions not stated): gnomAD exomes below 0.00001.
gnomAD v4.1: 1 of 1,208,243 alleles (0.000083%); highest among the groups gnomAD compares: Non-Finnish European, 0.00011%; no homozygotes.

Submission:

GeneDx
Classification: Uncertain significance. Last evaluated: 2023-05-04. Review status: criteria provided, single submitter. Criteria: GeneDx Variant Classification Process June 2021. Collection method: clinical testing. Allele origin: germline. Affected: yes.
Comment: Not observed at significant frequency in large population cohorts (gnomAD); In silico analysis supports that this missense variant has a deleterious effect on protein structure/function; Has not been previously published as pathogenic or benign to our knowledge